The following is an entry in ClinVar:

NM_006648.4(WNK2):c.6085G>A (p.Ala2029Thr)

Gene: WNK2 (WNK lysine deficient protein kinase 2; plus strand). Cytogenetic location: 9q22.31.
Variant type: single nucleotide variant.
Coding change: c.6085G>A on transcript NM_006648.4 (MANE Select); coding-DNA position 6085, G replaced by A.
Protein change: p.Ala2029Thr; replaces alanine 2029 with threonine.
Molecular consequence: missense variant.
Genome position (GRCh38, 1-based): chr9:93,299,231, G>A. VCF-style: chr9-93299231-G-A. GRCh37 (hg19) VCF-style: chr9-96061513-G-A.
Other names: c.6196G>A, p.Ala2066Thr (NM_001282394.3); short protein forms A2029T, A2066T.
Identifiers: ClinVar variation 4866664 (VCV004866664.1).
Genomic context (GRCh38, chr9:93,299,231, plus strand): 5'-CAGACCCAGCAGCCCTGCTCCGTCCGGGCCTCCCTGTCTTCGGACATCTGCTCCGGCTTA[G>A]CCAGTGATGGAGGCGGAGCGCGTGGCCAAGGTGATTTCCAGCTTGCCTGTCTCCGAGCAT-3'
Protein context (NP_006639.3, residues 2019-2039): SLSSDICSGL[Ala2029Thr]SDGGGARGQG

ClinVar aggregate classification (germline): Uncertain significance (1 of 4 stars; one submission).

Submission:

Ambry Genetics
Classification: Uncertain significance. Last evaluated: 2026-05-14. Review status: criteria provided, single submitter. Criteria: Ambry Variant Classification Scheme 2023. Collection method: clinical testing. Allele origin: germline.
Comment: The p.A2029T variant (also known as c.6085G>A), located in coding exon 24 of the WNK2 gene, results from a G to A substitution at nucleotide position 6085. The alanine at codon 2029 is replaced by threonine, an amino acid with similar properties. This amino acid position is conserved. In addition, this alteration is predicted to be tolerated by in silico analysis. Based on the available evidence, the clinical significance of this variant remains unclear.